The following is an entry in ClinVar:

ClinVar aggregate classification (germline): Uncertain significance. Review status: criteria provided, multiple submitters, no conflicts (2 of 4 stars). 2 submissions from 2 submitters: Uncertain significance (2). Last evaluated 2024-03-15.

Conditions:
Hereditary cancer-predisposing syndrome. Also called: Hereditary Cancer Syndrome; Hereditary neoplastic syndrome; Neoplastic Syndromes, Hereditary; Tumor predisposition. Identifiers: Orphanet 140162, MedGen C0027672, MeSH D009386, MONDO:0015356.
Fanconi anemia (FA). Also called: Fanconi's anemia. Identifiers: Orphanet 84, MedGen C0015625, MeSH D005199, MONDO:0019391.

Submissions (2):

Labcorp Genetics (formerly Invitae), Labcorp
Classification: Uncertain significance for Fanconi anemia. Last evaluated: 2024-03-15. Review status: criteria provided, single submitter. Criteria: Invitae Variant Classification Sherloc (09022015). Collection method: clinical testing. Allele origin: germline.
Comment: This sequence change replaces leucine, which is neutral and non-polar, with valine, which is neutral and non-polar, at codon 155 of the FANCC protein (p.Leu155Val). This variant is not present in population databases (gnomAD no frequency). This variant has not been reported in the literature in individuals affected with FANCC-related conditions. ClinVar contains an entry for this variant (Variation ID: 1742102). Advanced modeling of protein sequence and biophysical properties (such as structural, functional, and spatial information, amino acid conservation, physicochemical variation, residue mobility, and thermodynamic stability) has been performed at Invitae for this missense variant, however the output from this modeling did not meet the statistical confidence thresholds required to predict the impact of this variant on FANCC protein function. In summary, the available evidence is currently insufficient to determine the role of this variant in disease. Therefore, it has been classified as a Variant of Uncertain Significance.

Ambry Genetics
Classification: Uncertain significance for Hereditary cancer-predisposing syndrome. Last evaluated: 2021-07-18. Review status: criteria provided, single submitter. Criteria: Ambry Variant Classification Scheme 2023. Collection method: clinical testing. Allele origin: germline.
Comment: The p.L155V variant (also known as c.463T>G), located in coding exon 5 of the FANCC gene, results from a T to G substitution at nucleotide position 463. The leucine at codon 155 is replaced by valine, an amino acid with highly similar properties. This amino acid position is not well conserved in available vertebrate species. In addition, this alteration is predicted to be tolerated by in silico analysis. Since supporting evidence is limited at this time, the clinical significance of this alteration remains unclear.

NM_000136.3(FANCC):c.463T>G (p.Leu155Val)

Gene: FANCC (FA complementation group C; minus strand). Cytogenetic location: 9q22.32.
Variant type: single nucleotide variant.
Coding change: c.463T>G on transcript NM_000136.3 (MANE Select); coding-DNA position 463, T replaced by G.
Protein change: p.Leu155Val; replaces leucine 155 with valine.
Molecular consequence: missense variant.
Genome position (GRCh38, 1-based): chr9:95,171,137, A>C on the plus strand (T>G on the coding strand, the complement: FANCC is on the minus strand). VCF-style: chr9-95171137-A-C. GRCh37 (hg19) VCF-style: chr9-97933419-A-C.
Other names: c.463T>G, p.Leu155Val (NM_001243743.2, NM_001243744.2); short protein forms L155V.
Identifiers: ClinVar variation 1742102 (VCV001742102.4), dbSNP rs2135579789, ClinGen allele CA374338664.
Genomic context (GRCh38, chr9:95,171,137, plus strand): 5'-ACCGCCTTTGAGTGTTAAATCCATTAAGATGATTCTCTCTGAGTTCAGACGCTAATGATA[A>C]AACCATCTGTAAAACAAAATCAGTTGCAGGTTAACTCACGCTGCAAACAGGATTACATCA-3'
Protein context (NP_000127.2, residues 145-165): YYPGLLKNMV[Leu155Val]SLASELRENH